The following is an entry in ClinVar:

NM_201384.3(PLEC):c.4928G>A (p.Arg1643Gln)

Gene: PLEC (plectin; minus strand). Cytogenetic location: 8q24.3.
Variant type: single nucleotide variant.
Coding change: c.4928G>A on transcript NM_201384.3 (MANE Select); coding-DNA position 4928, G replaced by A.
Protein change: p.Arg1643Gln; replaces arginine 1643 with glutamine.
Molecular consequence: missense variant.
Genome position (GRCh38, 1-based): chr8:143,925,001, C>T on the plus strand (G>A on the coding strand, the complement: PLEC is on the minus strand). VCF-style: chr8-143925001-C-T. GRCh37 (hg19) VCF-style: chr8-144999169-C-T.
Other names: c.5009G>A, p.Arg1670Gln (NM_000445.5); c.4886G>A, p.Arg1629Gln (NM_201378.4); c.4862G>A, p.Arg1621Gln (NM_201379.3); c.5339G>A, p.Arg1780Gln (NM_201380.4); c.4832G>A, p.Arg1611Gln (NM_201381.3); c.4928G>A, p.Arg1643Gln (NM_201382.4); c.4940G>A, p.Arg1647Gln (NM_201383.3); short protein forms R1629Q, R1670Q, R1780Q, R1611Q, R1621Q, R1647Q, R1643Q.
Identifiers: ClinVar variation 943574 (VCV000943574.7), dbSNP rs782312782, ClinGen allele CA4926497.

ClinVar aggregate classification (germline): Uncertain significance (1 of 4 stars; one submission).

Conditions:
Epidermolysis bullosa simplex 5B, with muscular dystrophy (EBS5B). Also called: EPIDERMOLYSIS BULLOSA SIMPLEX AND LIMB-GIRDLE MUSCULAR DYSTROPHY; Epidermolysis bullosa simplex with muscular dystrophy. Identifiers: Orphanet 257, MedGen C2931072, MONDO:0009181, OMIM 226670.
Epidermolysis bullosa simplex with nail dystrophy (EBS5D). Identifiers: MedGen C4225309, MONDO:0014661, OMIM 616487.
Epidermolysis bullosa simplex, Ogna type (EBS5A). Also called: EPIDERMOLYSIS BULLOSA SIMPLEX 5A, OGNA TYPE; Pidermolysis bullosa simplex 5A, Ogna type. Identifiers: Orphanet 79401, MedGen C0432317, MONDO:0007555, OMIM 131950.
Autosomal recessive limb-girdle muscular dystrophy type 2Q (LGMDR17). Also called: MUSCULAR DYSTROPHY, LIMB-GIRDLE, AUTOSOMAL RECESSIVE 17. Identifiers: Orphanet 254361, MedGen C3150989, MONDO:0013390, OMIM 613723.
Epidermolysis bullosa simplex 5C, with pyloric atresia (EBS5C). Also called: Epidermolysis bullosa simplex with pyloric atresia; PLEC-Related Epidermolysis Bullosa with Pyloric Atresia; PLEC1-Related Epidermolysis Bullosa with Pyloric Atresia. Identifiers: Orphanet 158684, MedGen C2677349, MONDO:0012807, OMIM 612138.

Allele frequency attached by ClinVar (database versions not stated): gnomAD 0.00001; TOPMed 0.00001; ExAC 0.00003; gnomAD exomes 0.00003; 1000 Genomes Project 30x 0.00016.
gnomAD v4.1: 45 of 1,573,642 alleles (0.0029%); highest among the groups gnomAD compares: East Asian, 0.0046%; no homozygotes.

Submission:

Labcorp Genetics (formerly Invitae), Labcorp
Classification: Uncertain significance for Autosomal recessive limb-girdle muscular dystrophy type 2Q; Epidermolysis bullosa simplex, Ogna type; Epidermolysis bullosa simplex with nail dystrophy; Epidermolysis bullosa simplex 5C, with pyloric atresia; Epidermolysis bullosa simplex 5B, with muscular dystrophy. Last evaluated: 2024-08-30. Review status: criteria provided, single submitter. Criteria: Invitae Variant Classification Sherloc (09022015). Collection method: clinical testing. Allele origin: germline.
Comment: This sequence change replaces arginine, which is basic and polar, with glutamine, which is neutral and polar, at codon 1670 of the PLEC protein (p.Arg1670Gln). The frequency data for this variant in the population databases is considered unreliable, as metrics indicate poor data quality at this position in the gnomAD database. This variant has not been reported in the literature in individuals affected with PLEC-related conditions. ClinVar contains an entry for this variant (Variation ID: 943574). Invitae Evidence Modeling of protein sequence and biophysical properties (such as structural, functional, and spatial information, amino acid conservation, physicochemical variation, residue mobility, and thermodynamic stability) indicates that this missense variant is not expected to disrupt PLEC protein function with a negative predictive value of 80%. In summary, the available evidence is currently insufficient to determine the role of this variant in disease. Therefore, it has been classified as a Variant of Uncertain Significance.